The following is an entry in ClinVar:

ClinVar aggregate classification (germline): Benign/Likely benign. Review status: criteria provided, multiple submitters, no conflicts (2 of 4 stars). 8 submissions from 6 submitters: Benign (4); Likely benign (4). Last evaluated 2026-01-27.

Conditions:
Gnathodiaphyseal dysplasia (GDD). Also called: GNATHODIAPHYSEAL SCLEROSIS; OSTEOGENESIS IMPERFECTA WITH UNUSUAL SKELETAL LESIONS. Identifiers: Orphanet 53697, MedGen C1833736, MONDO:0008151, OMIM 166260.
Autosomal recessive limb-girdle muscular dystrophy type 2L (LGMDR12). Also called: Limb-girdle muscular dystrophy, type 2L; MUSCULAR DYSTROPHY, LIMB-GIRDLE, AUTOSOMAL RECESSIVE 12; Limb-Girdle Muscular Dystrophy R12 Anoctamin-5-Related (LGMD-R12). Identifiers: Orphanet 206549, MedGen C1969785, MONDO:0012652, OMIM 611307.
Miyoshi muscular dystrophy 3 (MMD3). Also called: Miyoshi myopathy 3; Miyoshi Muscular Dystrophy 3 (MMD3). Identifiers: Orphanet 399096, MedGen C2750076, MONDO:0013222, OMIM 613319.

Allele frequency attached by ClinVar (database versions not stated): gnomAD exomes 0.00011 and 0.00032; ExAC 0.00040; gnomAD 0.00105 and 0.00109; 1000 Genomes Project 0.00120; TOPMed 0.00128; 1000 Genomes Project 30x 0.00141; ESP Exome Variant Server 0.00161.
gnomAD v4.1: 331 of 1,603,838 alleles (0.021%); highest among the groups gnomAD compares: African/African-American, 0.39%; 2 homozygotes.

Submissions (8):

Labcorp Genetics (formerly Invitae), Labcorp
Classification: Benign for Autosomal recessive limb-girdle muscular dystrophy type 2L; Gnathodiaphyseal dysplasia. Last evaluated: 2026-01-27. Review status: criteria provided, single submitter. Criteria: Invitae Variant Classification Sherloc (09022015). Collection method: clinical testing. Allele origin: germline.

Mayo Clinic Laboratories, Mayo Clinic
Classification: Likely benign. Last evaluated: 2024-12-30. Review status: criteria provided, single submitter. Criteria: ACMG Guidelines, 2015. Collection method: clinical testing. Allele origin: germline. Observed: 6 variant alleles.
Comment: BS1, BP4, BP7

Blueprint Genetics
Classification: Likely benign. Last evaluated: 2024-08-06. Review status: criteria provided, single submitter. Criteria: ACMG Guidelines, 2015. Collection method: clinical testing. Allele origin: germline.

Genome-Nilou Lab
Classification: Benign for Gnathodiaphyseal dysplasia. Last evaluated: 2021-12-05. Review status: criteria provided, single submitter. Criteria: ACMG Guidelines, 2015. Collection method: clinical testing. Allele origin: germline. Affected: no.

Genome-Nilou Lab
Classification: Benign for Miyoshi muscular dystrophy 3. Last evaluated: 2021-12-05. Review status: criteria provided, single submitter. Criteria: ACMG Guidelines, 2015. Collection method: clinical testing. Allele origin: germline. Affected: no.

Genome-Nilou Lab
Classification: Benign for Autosomal recessive limb-girdle muscular dystrophy type 2L. Last evaluated: 2021-12-05. Review status: criteria provided, single submitter. Criteria: ACMG Guidelines, 2015. Collection method: clinical testing. Allele origin: germline. Affected: no.

GeneDx
Classification: Likely benign. Last evaluated: 2019-04-29. Review status: criteria provided, single submitter. Criteria: GeneDx Variant Classification Process June 2021. Collection method: clinical testing. Allele origin: germline. Affected: yes.

Eurofins Ntd Llc (ga)
Classification: Likely benign. Last evaluated: 2016-10-19. Review status: criteria provided, single submitter. Criteria: EGL Classification Definitions 2015. Collection method: clinical testing. Allele origin: germline. Observed: 3 variant alleles, 3 heterozygotes.

NM_213599.3(ANO5):c.2521-7C>T

Gene: ANO5 (anoctamin 5; plus strand). Cytogenetic location: 11p14.3.
Variant type: single nucleotide variant.
Coding change: c.2521-7C>T on transcript NM_213599.3 (MANE Select); 7 bases into the intron before coding-DNA position 2521, C replaced by T.
Molecular consequence: intron variant.
Genome position (GRCh38, 1-based): chr11:22,279,537, C>T. VCF-style: chr11-22279537-C-T. GRCh37 (hg19) VCF-style: chr11-22301083-C-T.
Other names: p.?; c.2518-7C>T (NM_001142649.2).
Identifiers: ClinVar variation 282397 (VCV000282397.19), dbSNP rs201438159, ClinGen allele CA5923614.
Genomic context (GRCh38, chr11:22,279,537, plus strand): 5'-TAAAGACTTTCTGCTGAGCATGTGACACCTCTAACAGCGTCTAATCTTTCCTTTATATTT[C>T]CTCTAGCATGTTGTGTTTTTAGTTAAATTTTTGCTGGCCTGGATGATACCTGATGTTCCA-3'